The following is an entry in ClinVar:

NM_002972.4(SBF1):c.2968C>A (p.Leu990Met)

Gene: SBF1 (SET binding factor 1; minus strand). Cytogenetic location: 22q13.33.
Variant type: single nucleotide variant.
Coding change: c.2968C>A on transcript NM_002972.4 (MANE Select); coding-DNA position 2968, C replaced by A.
Protein change: p.Leu990Met; replaces leucine 990 with methionine.
Molecular consequence: missense variant.
Genome position (GRCh38, 1-based): chr22:50,460,712, G>T on the plus strand (C>A on the coding strand, the complement: SBF1 is on the minus strand). VCF-style: chr22-50460712-G-T. GRCh37 (hg19) VCF-style: chr22-50899141-G-T.
Other names: c.2971C>A, p.Leu991Met (NM_001365819.1, NM_001410794.1); c.2968C>A, p.Leu990Met (NM_001410795.1, NM_197971.1); short protein forms L990M, L991M.
Identifiers: ClinVar variation 1926794 (VCV001926794.5), dbSNP rs372667510, ClinGen allele CA412207665.

ClinVar aggregate classification (germline): Uncertain significance (1 of 4 stars; one submission).

Submission:

Labcorp Genetics (formerly Invitae), Labcorp
Classification: Uncertain significance. Last evaluated: 2022-05-07. Review status: criteria provided, single submitter. Criteria: Invitae Variant Classification Sherloc (09022015). Collection method: clinical testing. Allele origin: germline.
Comment: This sequence change replaces leucine, which is neutral and non-polar, with methionine, which is neutral and non-polar, at codon 990 of the SBF1 protein (p.Leu990Met). This variant is not present in population databases (gnomAD no frequency). This variant has not been reported in the literature in individuals affected with SBF1-related conditions. Algorithms developed to predict the effect of missense changes on protein structure and function are either unavailable or do not agree on the potential impact of this missense change (SIFT: "Tolerated"; PolyPhen-2: "Probably Damaging"; Align-GVGD: "Class C0"). In summary, the available evidence is currently insufficient to determine the role of this variant in disease. Therefore, it has been classified as a Variant of Uncertain Significance.